The following is an entry in ClinVar:

ClinVar aggregate classification (germline): Uncertain significance. Review status: criteria provided, multiple submitters, no conflicts (2 of 4 stars). 2 submissions from 2 submitters: Uncertain significance (2). Last evaluated 2026-06-22.

Conditions:
Bethlem myopathy 1A. Also called: Bethlem myopathy 1; MYOPATHY, BENIGN CONGENITAL, WITH CONTRACTURES; Bethlem Muscular Dystrophy. Identifiers: Orphanet 610, MedGen CN029274, MONDO:0024530, OMIM 158810.
Inborn genetic diseases. Identifiers: MedGen C0950123, MeSH D030342.

gnomAD v4.1: 16 of 1,613,400 alleles (0.00099%); highest among the groups gnomAD compares: Non-Finnish European, 0.0011%; no homozygotes.

Submissions (2):

Ambry Genetics
Classification: Uncertain significance for Inborn genetic diseases. Last evaluated: 2026-06-22. Review status: criteria provided, single submitter. Criteria: Ambry Variant Classification Scheme 2023. Collection method: clinical testing. Allele origin: germline.
Comment: The c.5909G>T (p.R1970L) alteration is located in exon 13 (coding exon 12) of the COL6A3 gene. This alteration results from a G to T substitution at nucleotide position 5909, causing the arginine (R) at amino acid position 1970 to be replaced by a leucine (L). Based on data from gnomAD, the T allele has an overall frequency of 0.003% (1/31400) total alleles studied. The highest observed frequency was 0.007% (1/15428) of European (non-Finnish) alleles. Based on insufficient or conflicting evidence, the clinical significance of this alteration remains unclear.

Labcorp Genetics (formerly Invitae), Labcorp
Classification: Uncertain significance for Bethlem myopathy 1A. Last evaluated: 2025-01-29. Review status: criteria provided, single submitter. Criteria: Invitae Variant Classification Sherloc (09022015). Collection method: clinical testing. Allele origin: germline.
Comment: This sequence change replaces arginine, which is basic and polar, with leucine, which is neutral and non-polar, at codon 1970 of the COL6A3 protein (p.Arg1970Leu). This variant is present in population databases (no rsID available, gnomAD 0.007%). This variant has not been reported in the literature in individuals affected with COL6A3-related conditions. Invitae Evidence Modeling of protein sequence and biophysical properties (such as structural, functional, and spatial information, amino acid conservation, physicochemical variation, residue mobility, and thermodynamic stability) indicates that this missense variant is not expected to disrupt COL6A3 protein function with a negative predictive value of 80%. In summary, the available evidence is currently insufficient to determine the role of this variant in disease. Therefore, it has been classified as a Variant of Uncertain Significance.

NM_004369.4(COL6A3):c.5909G>T (p.Arg1970Leu)

Gene: COL6A3 (collagen type VI alpha 3 chain; minus strand). Cytogenetic location: 2q37.3.
Variant type: single nucleotide variant.
Coding change: c.5909G>T on transcript NM_004369.4 (MANE Select); coding-DNA position 5909, G replaced by T.
Protein change: p.Arg1970Leu; replaces arginine 1970 with leucine.
Molecular consequence: missense variant.
Genome position (GRCh38, 1-based): chr2:237,364,358, C>A on the plus strand (G>T on the coding strand, the complement: COL6A3 is on the minus strand). VCF-style: chr2-237364358-C-A. GRCh37 (hg19) VCF-style: chr2-238273001-C-A.
Other names: c.4088G>T, p.Arg1363Leu (NM_057166.5); c.5291G>T, p.Arg1764Leu (NM_057167.4); short protein forms R1363L, R1764L, R1970L.
Identifiers: ClinVar variation 3719333 (VCV003719333.3).